The following is an entry in ClinVar:

NM_021930.6(RINT1):c.2113C>G (p.Gln705Glu)

Genes: EFCAB10 (EF-hand calcium binding domain 10; minus strand), RINT1 (RAD50 interactor 1; plus strand). Cytogenetic location: 7q22.3.
Variant type: single nucleotide variant.
Coding change: c.2113C>G on transcript NM_021930.6 (MANE Select); coding-DNA position 2113, C replaced by G.
Protein change: p.Gln705Glu; replaces glutamine 705 with glutamic acid.
Molecular consequence: missense variant. On other transcripts: non-coding transcript variant (1), intron variant (2).
Genome position (GRCh38, 1-based): chr7:105,565,575, C>G. VCF-style: chr7-105565575-C-G. GRCh37 (hg19) VCF-style: chr7-105206022-C-G.
Other names: c.424G>C, p.Ala142Pro (NM_001355530.2); c.1879C>G, p.Gln627Glu (NM_001346599.2); c.1090C>G, p.Gln364Glu (NM_001346600.2, NM_001346603.2); c.1189C>G, p.Gln397Glu (NM_001346601.2); c.360-128G>C (NM_001355531.2); c.384-128G>C (NM_001355526.2); short protein forms Q364E, A142P, Q397E, Q627E, Q705E.
Identifiers: ClinVar variation 2622847 (VCV002622847.2), dbSNP rs774027650, ClinGen allele CA4426873.
Genomic context (GRCh38, chr7:105,565,575, plus strand): 5'-TATTCTTTGTTTCAGATAATTCTTGCTAATCACTTCAATGAAGGAGGAGCAGCCCAGCTG[C>G]AGTTTGATATGACTCGGAATCTTTTCCCTTTGTTTTCTCACTATTGCAAGAGACCAGAAA-3'
Protein context (NP_068749.3, residues 695-715): HFNEGGAAQL[Gln705Glu]FDMTRNLFPL

ClinVar aggregate classification (germline): Uncertain significance (1 of 4 stars; one submission).

Allele frequency attached by ClinVar (database versions not stated): ExAC 0.00001; gnomAD 0.00001; TOPMed 0.00001.
gnomAD v4.1: 2 of 1,613,850 alleles (0.00012%); highest among the groups gnomAD compares: African/African-American, 0.0027%; no homozygotes.

Submission:

Ambry Genetics
Classification: Uncertain significance. Last evaluated: 2023-08-29. Review status: criteria provided, single submitter. Criteria: Ambry Variant Classification Scheme 2023. Collection method: clinical testing. Allele origin: germline.
Comment: The p.Q705E variant (also known as c.2113C>G), located in coding exon 14 of the RINT1 gene, results from a C to G substitution at nucleotide position 2113. The glutamine at codon 705 is replaced by glutamic acid, an amino acid with highly similar properties. This amino acid position is conserved. In addition, this alteration is predicted to be deleterious by in silico analysis. Since supporting evidence is limited at this time, the clinical significance of this alteration remains unclear.